The following is an entry in ClinVar:

NM_001024613.4(FEZF1):c.197A>C (p.His66Pro)

Genes: FEZF1 (FEZ family zinc finger 1; minus strand), FEZF1-AS1 (FEZF1 antisense RNA 1; plus strand). Cytogenetic location: 7q31.32.
Variant type: single nucleotide variant.
Coding change: c.197A>C on transcript NM_001024613.4 (MANE Select); coding-DNA position 197, A replaced by C.
Protein change: p.His66Pro; replaces histidine 66 with proline.
Molecular consequence: missense variant. On other transcripts: non-coding transcript variant (1).
Genome position (GRCh38, 1-based): chr7:122,304,241, T>G on the plus strand (A>C on the coding strand, the complement: FEZF1 is on the minus strand). VCF-style: chr7-122304241-T-G. GRCh37 (hg19) VCF-style: chr7-121944295-T-G.
Other names: c.197A>C, p.His66Pro (NM_001160264.3); short protein forms H66P.
Identifiers: ClinVar variation 2118461 (VCV002118461.4), dbSNP rs758386407, ClinGen allele CA165948504.

ClinVar aggregate classification (germline): Uncertain significance (1 of 4 stars; one submission).

Allele frequency attached by ClinVar (database versions not stated): gnomAD exomes below 0.00001; gnomAD 0.00001.
gnomAD v4.1: 2 of 1,600,182 alleles (0.00012%); highest among the groups gnomAD compares: Admixed American, 0.0034%; no homozygotes.

Submission:

Labcorp Genetics (formerly Invitae), Labcorp
Classification: Uncertain significance. Last evaluated: 2022-03-27. Review status: criteria provided, single submitter. Criteria: Invitae Variant Classification Sherloc (09022015). Collection method: clinical testing. Allele origin: germline.
Comment: In summary, the available evidence is currently insufficient to determine the role of this variant in disease. Therefore, it has been classified as a Variant of Uncertain Significance. Algorithms developed to predict the effect of missense changes on protein structure and function are either unavailable or do not agree on the potential impact of this missense change (SIFT: "Deleterious"; PolyPhen-2: "Probably Damaging"; Align-GVGD: "Class C0"). This variant has not been reported in the literature in individuals affected with FEZF1-related conditions. This variant is present in population databases (no rsID available, gnomAD 0.003%). This sequence change replaces histidine, which is basic and polar, with proline, which is neutral and non-polar, at codon 66 of the FEZF1 protein (p.His66Pro).